The following is an entry in ClinVar:

NM_017547.4(FOXRED1):c.832G>T (p.Glu278Ter)

Gene: FOXRED1 (FAD dependent oxidoreductase domain containing 1; plus strand). Cytogenetic location: 11q24.2.
Variant type: single nucleotide variant.
Coding change: c.832G>T on transcript NM_017547.4 (MANE Select); coding-DNA position 832, G replaced by T.
Protein change: p.Glu278Ter; replaces glutamic acid 278 with a stop codon.
Molecular consequence: nonsense. On other transcripts: non-coding transcript variant (2).
Genome position (GRCh38, 1-based): chr11:126,276,080, G>T. VCF-style: chr11-126276080-G-T. GRCh37 (hg19) VCF-style: chr11-126145975-G-T.
Other names: c.271G>T, p.Glu91Ter (NM_001425171.1, NM_001425172.1); c.199G>T, p.Glu67Ter (NM_001425173.1, NM_001425174.1, NM_001425175.1); c.862G>T, p.Glu288Ter (NM_001425160.1); c.832G>T, p.Glu278Ter (NM_001425161.1, NM_001425163.1, NM_001425165.1 and 1 more transcripts); c.829G>T, p.Glu277Ter (NM_001425164.1); c.730G>T, p.Glu244Ter (NM_001425167.1); c.322G>T, p.Glu108Ter (NM_001425168.1, NM_001425169.1, NM_001425170.1); short protein forms E108*, E288*, E67*, E91*, E278*, E244*, E277*.
Identifiers: ClinVar variation 2986010 (VCV002986010.3), dbSNP rs1397572066, ClinGen allele CA383230526.
Genomic context (GRCh38, chr11:126,276,080, plus strand): 5'-GTCCGGGCCTTCCCACTCCTCACCCTCTGGTGTCTGCAGGTGAAGATGGACCGCAGCCTG[G>T]AGTACCAGCCTGTGGAATGCGCCATTGTGATCAACGCAGCCGGAGCCTGGTCTGCGCAAA-3'

ClinVar aggregate classification (germline): Pathogenic (1 of 4 stars; one submission).

Allele frequency attached by ClinVar (database versions not stated): gnomAD exomes below 0.00001; gnomAD 0.00001; TOPMed 0.00001.

Submission:

Labcorp Genetics (formerly Invitae), Labcorp
Classification: Pathogenic. Last evaluated: 2023-06-09. Review status: criteria provided, single submitter. Criteria: Invitae Variant Classification Sherloc (09022015). Collection method: clinical testing. Allele origin: germline.
Comment: For these reasons, this variant has been classified as Pathogenic. This variant has not been reported in the literature in individuals affected with FOXRED1-related conditions. This variant is not present in population databases (gnomAD no frequency). This sequence change creates a premature translational stop signal (p.Glu278*) in the FOXRED1 gene. It is expected to result in an absent or disrupted protein product. Loss-of-function variants in FOXRED1 are known to be pathogenic (PMID: 20818383, 20858599).

Literature cited by the submitters: PubMed 20818383; PubMed 20858599.